The following is an entry in ClinVar:

NM_000051.4(ATM):c.8139_8142dup (p.Leu2715fs)

Genes: ATM (ATM serine/threonine kinase; plus strand), C11orf65 (chromosome 11 open reading frame 65; minus strand). Cytogenetic location: 11q22.3.
Variant type: Duplication.
Coding change: c.8139_8142dup on transcript NM_000051.4 (MANE Select); coding-DNA positions 8139 to 8142, 4 bases duplicated (ACAG; older notation c.8139_8142dupACAG).
Protein change: p.Leu2715fs; shifts the reading frame from leucine 2715.
Molecular consequence: frameshift variant. On other transcripts: intron variant (2).
Genome position (GRCh38, 1-based): chr11:108,335,097-108,335,100, ACAG duplicated; duplicating any 4 consecutive bases within chr11:108,335,095-108,335,100 gives the same sequence; the c. name uses the placement nearest the transcript's 3' end. VCF-style (leftmost placement, unchanged base first): chr11-108335094-G-GAGAC. GRCh37 (hg19) VCF-style: chr11-108205821-G-GAGAC.
Other names: c.8139_8142dupACAG (NM_000051.3); c.8139_8142dup, p.Leu2715fs (NM_001351834.2); c.641-26027_641-26024dup (NM_001330368.2); c.*38+122_*38+125dup (NM_001351110.2); short protein forms L2715fs.
Identifiers: ClinVar variation 2126906 (VCV002126906.5), dbSNP rs2547331529, ClinGen allele CA2580083072.

ClinVar aggregate classification (germline): Pathogenic. Review status: criteria provided, multiple submitters, no conflicts (2 of 4 stars). 2 submissions from 2 submitters: Pathogenic (2). Last evaluated 2025-05-30.

Conditions:
Hereditary cancer-predisposing syndrome. Also called: Tumor predisposition; Hereditary Cancer Syndrome; Hereditary neoplastic syndrome; Neoplastic Syndromes, Hereditary. Identifiers: Orphanet 140162, MedGen C0027672, MeSH D009386, MONDO:0015356.
Ataxia-telangiectasia syndrome (AT). Also called: ATAXIA-TELANGIECTASIA, COMPLEMENTATION GROUP A; ATAXIA-TELANGIECTASIA, FRESNO VARIANT; Ataxia-telangiectasia; Ataxia-telangiectasia, complementation group E; LOUIS-BAR SYNDROME; Cerebello-oculocutaneous telangiectasia. Identifiers: Orphanet 100, MedGen C0004135, MONDO:0008840, OMIM 208900.

Submissions (2):

Ambry Genetics
Classification: Pathogenic for Hereditary cancer-predisposing syndrome. Last evaluated: 2025-05-30. Review status: criteria provided, single submitter. Criteria: Ambry Variant Classification Scheme 2023. Collection method: clinical testing. Allele origin: germline.
Comment: The c.8139_8142dupACAG pathogenic mutation, located in coding exon 54 of the ATM gene, results from a duplication of ACAG at nucleotide position 8139, causing a translational frameshift with a predicted alternate stop codon (p.L2715Tfs*4). This variant is considered to be rare based on population cohorts in the Genome Aggregation Database (gnomAD). This alteration is expected to result in loss of function by premature protein truncation or nonsense-mediated mRNA decay. As such, this alteration is interpreted as a disease-causing mutation.

Labcorp Genetics (formerly Invitae), Labcorp
Classification: Pathogenic for Ataxia-telangiectasia syndrome. Last evaluated: 2024-08-12. Review status: criteria provided, single submitter. Criteria: Invitae Variant Classification Sherloc (09022015). Collection method: clinical testing. Allele origin: germline.
Comment: This sequence change creates a premature translational stop signal (p.Leu2715Thrfs*4) in the ATM gene. It is expected to result in an absent or disrupted protein product. Loss-of-function variants in ATM are known to be pathogenic (PMID: 23807571, 25614872). This variant is not present in population databases (gnomAD no frequency). This variant has not been reported in the literature in individuals affected with ATM-related conditions. ClinVar contains an entry for this variant (Variation ID: 2126906). For these reasons, this variant has been classified as Pathogenic.

Literature cited by the submitters: PubMed 23807571 (cited by Labcorp Genetics (formerly Invitae), Labcorp); PubMed 25614872 (cited by Labcorp Genetics (formerly Invitae), Labcorp).